The following is an entry in ClinVar:

ClinVar aggregate classification (germline): Conflicting classifications of pathogenicity. Review status: criteria provided, conflicting classifications (1 of 4 stars). 8 submissions from 8 submitters: Uncertain significance (3); Benign (1); Likely benign (4). Last evaluated 2026-01-16.

Conditions:
Ehlers-Danlos syndrome, classic type, 1 (EDSCL1). Also called: EHLERS-DANLOS SYNDROME, GRAVIS TYPE; EHLERS-DANLOS SYNDROME, SEVERE CLASSIC TYPE; Ehlers-Danlos syndrome, type 1; Ehlers-Danlos Syndrome, Classic Type, COL5A1-Related; EDS I. Identifiers: MedGen C0268335, MONDO:0019567, OMIM 130000.
Familial thoracic aortic aneurysm and aortic dissection (TAAD). Also called: Thoracic aortic aneurysms and dissections. Identifiers: Orphanet 91387, MedGen C4707243, MONDO:0019625.

Allele frequency attached by ClinVar (database versions not stated): gnomAD 0.00009; TOPMed 0.00009; gnomAD exomes 0.00010 and 0.00020; ExAC 0.00012; ESP Exome Variant Server 0.00031.
gnomAD v4.1: 303 of 1,613,994 alleles (0.019%); highest among the groups gnomAD compares: Non-Finnish European, 0.024%; 1 homozygote.

Submissions (9):

Labcorp Genetics (formerly Invitae), Labcorp
Classification: Likely benign for Ehlers-Danlos syndrome, classic type, 1. Last evaluated: 2026-01-16. Review status: criteria provided, single submitter. Criteria: Invitae Variant Classification Sherloc (09022015). Collection method: clinical testing. Allele origin: germline.

Ambry Genetics
Classification: Uncertain significance for Familial thoracic aortic aneurysm and aortic dissection. Last evaluated: 2025-05-30. Review status: criteria provided, single submitter. Criteria: Ambry Variant Classification Scheme 2023. Collection method: clinical testing. Allele origin: germline.
Comment: The c.804C>T variant (also known as p.G268G), located in coding exon 6, results from a C to T substitution at nucleotide position 804 of the COL5A1 gene. This nucleotide substitution does not change the amino acid at codon 268. Using the BDGP and ESEfinder splice site prediction tools, this alteration is predicted to create a new alternate splice donor site. RNA studies have demonstrated that this alteration results in an incomplete splice defect; the clinical impact of this abnormal splicing is unknown at this time (Ambry internal data). This nucleotide position is not conserved in available vertebrate species. Since supporting evidence is limited at this time, the clinical significance of this variant remains unclear.

Mayo Clinic Laboratories, Mayo Clinic
Classification: Uncertain significance. Last evaluated: 2024-10-11. Review status: criteria provided, single submitter. Criteria: ACMG Guidelines, 2015. Collection method: clinical testing. Allele origin: germline. Observed: 2 variant alleles.
Comment: BS1, BP4, BP7, PS3_supporting

CeGaT Center for Human Genetics Tuebingen
Classification: Likely benign. Last evaluated: 2023-08-01. Review status: criteria provided, single submitter. Criteria: CeGaT Center For Human Genetics Tuebingen Variant Classification Criteria Version 2. Collection method: clinical testing. Allele origin: germline. Affected: yes. Observed: 1 variant allele.
Comment: COL5A1: BP4, BP7

Blueprint Genetics
Classification: Likely benign. Last evaluated: 2023-05-08. Review status: criteria provided, single submitter. Criteria: ACMG Guidelines, 2015. Collection method: clinical testing. Allele origin: germline.

ARUP Laboratories, Molecular Genetics and Genomics, ARUP Laboratories
Classification: Likely benign. Last evaluated: 2022-03-10. Review status: criteria provided, single submitter. Criteria: ARUP Molecular Germline Variant Investigation Process 2021. Collection method: clinical testing. Allele origin: germline.

Eurofins Ntd Llc (ga)
Classification: Uncertain significance. Last evaluated: 2016-03-03. Review status: criteria provided, single submitter. Criteria: EGL Classification Definitions 2015. Collection method: clinical testing. Allele origin: germline. Observed: 1 variant allele, 1 heterozygote.

GeneDx
Classification: Benign. Last evaluated: 2014-09-05. Review status: criteria provided, single submitter. Criteria: GeneDx Variant Classification (06012015). Collection method: clinical testing. Allele origin: germline. Affected: yes.
Comment: This variant is considered likely benign or benign based on one or more of the following criteria: it is a conservative change, it occurs at a poorly conserved position in the protein, it is predicted to be benign by multiple in silico algorithms, and/or has population frequency not consistent with disease.

Dr. Peter K. Rogan Lab, Western University
No classification provided (evidence only). Condition: Clear cell carcinoma of kidney. Review status: no classification provided. Collection method: in vitro. Allele origin: not applicable. Functional consequence: skipped exon, retained intron. Not counted in ClinVar's aggregate classification.

NM_000093.5(COL5A1):c.804C>T (p.Gly268=)

Gene: COL5A1 (collagen type V alpha 1 chain; plus strand). Cytogenetic location: 9q34.3.
Variant type: single nucleotide variant.
Coding change: c.804C>T on transcript NM_000093.5 (MANE Select); coding-DNA position 804, C replaced by T.
Protein change: p.Gly268=; no amino-acid change (glycine 268 retained).
Molecular consequence: synonymous variant.
Genome position (GRCh38, 1-based): chr9:134,728,687, C>T. VCF-style: chr9-134728687-C-T. GRCh37 (hg19) VCF-style: chr9-137620533-C-T.
Other names: p.G268G:GGC>GGT; p.Gly268=; c.804C>T, p.Gly268= (NM_001278074.1).
Identifiers: ClinVar variation 212921 (VCV000212921.51), dbSNP rs147729713, ClinGen allele CA321568.